The following is an entry in ClinVar:

ClinVar aggregate classification (germline): Likely pathogenic (1 of 4 stars; one submission).

Allele frequency attached by ClinVar (database versions not stated): gnomAD exomes below 0.00001.
gnomAD v4.1: 2 of 1,612,880 alleles (0.00012%); highest among the groups gnomAD compares: Non-Finnish European, 0.00017%; no homozygotes.

Submission:

Labcorp Genetics (formerly Invitae), Labcorp
Classification: Likely pathogenic. Last evaluated: 2023-08-02. Review status: criteria provided, single submitter. Criteria: Invitae Variant Classification Sherloc (09022015). Collection method: clinical testing. Allele origin: germline.
Comment: Algorithms developed to predict the effect of sequence changes on RNA splicing suggest that this variant may disrupt the consensus splice site. In summary, the currently available evidence indicates that the variant is pathogenic, but additional data are needed to prove that conclusively. Therefore, this variant has been classified as Likely Pathogenic. This variant is not present in population databases (gnomAD no frequency). This sequence change affects an acceptor splice site in intron 4 of the LAMC3 gene. It is expected to disrupt RNA splicing. Variants that disrupt the donor or acceptor splice site typically lead to a loss of protein function (PMID: 16199547), and loss-of-function variants in LAMC3 are known to be pathogenic (PMID: 21572413, 26802095). This variant has not been reported in the literature in individuals affected with LAMC3-related conditions.

Literature cited by the submitters: PubMed 16199547; PubMed 21572413; PubMed 26802095.

NM_006059.4(LAMC3):c.977-2A>T

Gene: LAMC3 (laminin subunit gamma 3; plus strand). Cytogenetic location: 9q34.12.
Variant type: single nucleotide variant.
Coding change: c.977-2A>T on transcript NM_006059.4 (MANE Select); the canonical splice acceptor site of the intron before coding-DNA position 977, A replaced by T.
Molecular consequence: splice acceptor variant.
Genome position (GRCh38, 1-based): chr9:131,038,862, A>T. VCF-style: chr9-131038862-A-T. GRCh37 (hg19) VCF-style: chr9-133914249-A-T.
Identifiers: ClinVar variation 2898828 (VCV002898828.3), dbSNP rs2490714618, ClinGen allele CA375258225.